The following is an entry in ClinVar:

NM_198060.4(NRAP):c.3842C>A (p.Ala1281Asp)

Gene: NRAP (nebulin related anchoring protein; minus strand). Cytogenetic location: 10q25.3.
Variant type: single nucleotide variant.
Coding change: c.3842C>A on transcript NM_198060.4 (MANE Select); coding-DNA position 3842, C replaced by A.
Protein change: p.Ala1281Asp; replaces alanine 1281 with aspartic acid.
Molecular consequence: missense variant.
Genome position (GRCh38, 1-based): chr10:113,605,835, G>T on the plus strand (C>A on the coding strand, the complement: NRAP is on the minus strand). VCF-style: chr10-113605835-G-T. GRCh37 (hg19) VCF-style: chr10-115365594-G-T.
Other names: c.3842C>A, p.Ala1281Asp (NM_001261463.2); c.3734C>A, p.Ala1245Asp (NM_001322945.2); c.3737C>A, p.Ala1246Asp (NM_006175.5); short protein forms A1245D, A1246D, A1281D.
Identifiers: ClinVar variation 5037899 (VCV005037899.1), dbSNP rs780964345.

ClinVar aggregate classification (germline): Uncertain significance (1 of 4 stars; one submission).

Conditions:
Cardiovascular phenotype. Identifiers: MedGen CN230736.

gnomAD v4.1: 14 of 1,613,996 alleles (0.00087%); highest among the groups gnomAD compares: South Asian, 0.015%; no homozygotes.

Submission:

Molecular Diagnostic Laboratory for Inherited Cardiovascular Disease, Montreal Heart Institute
Classification: Uncertain significance for Cardiovascular phenotype. Last evaluated: 2026-09-21. Review status: criteria provided, single submitter. Criteria: ACMG Guidelines, 2015. Collection method: clinical testing. Allele origin: germline. Affected: yes.
Comment: PM2